The following is an entry in ClinVar:

ClinVar aggregate classification (germline): Likely benign. Review status: criteria provided, single submitter (1 of 4 stars). 2 submissions from 2 submitters: Likely benign (1). 1 of the submissions does not count toward it. Last evaluated 2025-11-17.

Conditions:
CCDC88A-related disorder. Also called: CCDC88A-related condition.

Allele frequency attached by ClinVar (database versions not stated): gnomAD exomes 0.00006 and 0.00015; ExAC 0.00007; TOPMed 0.00008; gnomAD 0.00011 and 0.00012; ESP Exome Variant Server 0.00015.
gnomAD v4.1: 241 of 1,614,096 alleles (0.015%); highest among the groups gnomAD compares: Non-Finnish European, 0.019%; no homozygotes.

Submissions (2):

Labcorp Genetics (formerly Invitae), Labcorp
Classification: Likely benign. Last evaluated: 2025-11-17. Review status: criteria provided, single submitter. Criteria: Invitae Variant Classification Sherloc (09022015). Collection method: clinical testing. Allele origin: germline.

PreventionGenetics, part of Exact Sciences
Classification: Likely benign for CCDC88A-related condition. Last evaluated: 2019-06-06. Review status: no assertion criteria provided. Collection method: clinical testing. Allele origin: germline. Not counted in ClinVar's aggregate classification.
Comment: This variant is classified as likely benign based on ACMG/AMP sequence variant interpretation guidelines (Richards et al. 2015 PMID: 25741868, with internal and published modifications).

NM_001365480.1(CCDC88A):c.117T>C (p.Tyr39=)

Gene: CCDC88A (coiled-coil and HOOK domain protein 88A; minus strand). Cytogenetic location: 2p16.1.
Variant type: single nucleotide variant.
Coding change: c.117T>C on transcript NM_001365480.1 (MANE Select); coding-DNA position 117, T replaced by C.
Protein change: p.Tyr39=; no amino-acid change (tyrosine 39 retained).
Molecular consequence: synonymous variant.
Genome position (GRCh38, 1-based): chr2:55,418,863, A>G on the plus strand (T>C on the coding strand, the complement: CCDC88A is on the minus strand). VCF-style: chr2-55418863-A-G. GRCh37 (hg19) VCF-style: chr2-55645999-A-G.
Other names: c.117T>C, p.Tyr39= (NM_001135597.2, NM_001254943.2, NM_018084.5); c.117T>C (NM_001135597.1).
Identifiers: ClinVar variation 1593884 (VCV001593884.10), dbSNP rs138802311, ClinGen allele CA1666493.